The following is an entry in ClinVar:

NM_014845.6(FIG4):c.382G>T (p.Glu128Ter)

Gene: FIG4 (FIG4 phosphoinositide 5-phosphatase; plus strand). Cytogenetic location: 6q21.
Variant type: single nucleotide variant.
Coding change: c.382G>T on transcript NM_014845.6 (MANE Select); coding-DNA position 382, G replaced by T.
Protein change: p.Glu128Ter; replaces glutamic acid 128 with a stop codon.
Molecular consequence: nonsense.
Genome position (GRCh38, 1-based): chr6:109,727,201, G>T. VCF-style: chr6-109727201-G-T. GRCh37 (hg19) VCF-style: chr6-110048404-G-T.
Other names: short protein forms E128*.
Identifiers: ClinVar variation 3650214 (VCV003650214.2).

ClinVar aggregate classification (germline): Pathogenic (1 of 4 stars; one submission).

Conditions:
Charcot-Marie-Tooth disease type 4. Also called: Charcot-Marie-Tooth, Type 4; Charcot-Marie-Tooth disease, type IV. Identifiers: Orphanet 64749, MedGen C4082197, MONDO:0018995.

Submission:

Labcorp Genetics (formerly Invitae), Labcorp
Classification: Pathogenic for Charcot-Marie-Tooth disease type 4. Last evaluated: 2024-09-14. Review status: criteria provided, single submitter. Criteria: Invitae Variant Classification Sherloc (09022015). Collection method: clinical testing. Allele origin: germline.
Comment: This sequence change creates a premature translational stop signal (p.Glu128*) in the FIG4 gene. It is expected to result in an absent or disrupted protein product. Loss-of-function variants in FIG4 are known to be pathogenic (PMID: 23623387, 30740813). This variant is not present in population databases (gnomAD no frequency). This variant has not been reported in the literature in individuals affected with FIG4-related conditions. Algorithms developed to predict the effect of sequence changes on RNA splicing suggest that this variant may disrupt the consensus splice site. For these reasons, this variant has been classified as Pathogenic.

Literature cited by the submitters: PubMed 23623387; PubMed 30740813.